The following is an entry in ClinVar:

ClinVar aggregate classification (germline): Likely benign. Review status: criteria provided, single submitter (1 of 4 stars). 2 submissions from 2 submitters: Likely benign (1). 1 of the submissions does not count toward it. Last evaluated 2026-04-01.

Conditions:
SFTPA1-related disorder. Also called: SFTPA1-related condition.

Allele frequency attached by ClinVar (database versions not stated): 1000 Genomes Project 0.00040; 1000 Genomes Project 30x 0.00047.

Submissions (2):

CeGaT Center for Human Genetics Tuebingen
Classification: Likely benign. Last evaluated: 2026-04-01. Review status: criteria provided, single submitter. Criteria: CeGaT Center For Human Genetics Tuebingen Variant Classification Criteria Version 2. Collection method: clinical testing. Allele origin: germline. Affected: yes. Observed: 1 variant allele.
Comment: SFTPA1: BP4, BP7

PreventionGenetics, part of Exact Sciences
Classification: Likely benign for SFTPA1-related condition. Last evaluated: 2021-02-08. Review status: no assertion criteria provided. Collection method: clinical testing. Allele origin: germline. Not counted in ClinVar's aggregate classification.
Comment: This variant is classified as likely benign based on ACMG/AMP sequence variant interpretation guidelines (Richards et al. 2015 PMID: 25741868, with internal and published modifications).

NM_005411.5(SFTPA1):c.135C>T (p.Asp45=)

Gene: SFTPA1 (surfactant protein A1; plus strand). Cytogenetic location: 10q22.3.
Variant type: single nucleotide variant.
Coding change: c.135C>T on transcript NM_005411.5 (MANE Select); coding-DNA position 135, C replaced by T.
Protein change: p.Asp45=; no amino-acid change (aspartic acid 45 retained).
Molecular consequence: synonymous variant. On other transcripts: intron variant (2).
Genome position (GRCh38, 1-based): chr10:79,611,960, C>T. VCF-style: chr10-79611960-C-T. GRCh37 (hg19) VCF-style: chr10-81371716-C-T.
Other names: c.180C>T, p.Asp60= (NM_001093770.3); c.135C>T, p.Asp45= (NM_001164644.2, NM_001164647.1); c.85+50C>T (NM_001164646.2); c.130+50C>T (NM_001164645.2).
Identifiers: ClinVar variation 3055008 (VCV003055008.4), dbSNP rs200941736, ClinGen allele CA5574392.